The following is an entry in ClinVar:

NM_001365951.3(KIF1B):c.2666T>C (p.Leu889Pro)

Gene: KIF1B (kinesin family member 1B; plus strand). Cytogenetic location: 1p36.22.
Variant type: single nucleotide variant.
Coding change: c.2666T>C on transcript NM_001365951.3 (MANE Select); coding-DNA position 2666, T replaced by C.
Protein change: p.Leu889Pro; replaces leucine 889 with proline.
Molecular consequence: missense variant.
Genome position (GRCh38, 1-based): chr1:10,324,886, T>C. VCF-style: chr1-10324886-T-C. GRCh37 (hg19) VCF-style: chr1-10384944-T-C.
Other names: c.2666T>C, p.Leu889Pro (NM_001365952.1); c.2528T>C, p.Leu843Pro (NM_015074.3); short protein forms L889P, L843P.
Identifiers: ClinVar variation 1792624 (VCV001792624.2), dbSNP rs754465853, ClinGen allele CA581576.

ClinVar aggregate classification (germline): Uncertain significance (1 of 4 stars; one submission).

Allele frequency attached by ClinVar (database versions not stated): gnomAD exomes below 0.00001; ExAC 0.00001.
gnomAD v4.1: 1 of 1,614,090 alleles (0.000062%); highest among the groups gnomAD compares: Non-Finnish European, 0.000085%; no homozygotes.

Submission:

Ambry Genetics
Classification: Uncertain significance. Last evaluated: 2021-08-27. Review status: criteria provided, single submitter. Criteria: Ambry Variant Classification Scheme 2023. Collection method: clinical testing. Allele origin: germline.
Comment: The p.L843P variant (also known as c.2528T>C), located in coding exon 23 of the KIF1B gene, results from a T to C substitution at nucleotide position 2528. The leucine at codon 843 is replaced by proline, an amino acid with similar properties. This amino acid position is highly conserved in available vertebrate species. In addition, this alteration is predicted to be deleterious by in silico analysis. Since supporting evidence is limited at this time, the clinical significance of this alteration remains unclear.